The following is an entry in ClinVar:

NM_004655.4(AXIN2):c.1346C>G (p.Thr449Ser)

Gene: AXIN2 (axin 2; minus strand). Cytogenetic location: 17q24.1.
Variant type: single nucleotide variant.
Coding change: c.1346C>G on transcript NM_004655.4 (MANE Select); coding-DNA position 1346, C replaced by G.
Protein change: p.Thr449Ser; replaces threonine 449 with serine.
Molecular consequence: missense variant.
Genome position (GRCh38, 1-based): chr17:65,537,690, G>C on the plus strand (C>G on the coding strand, the complement: AXIN2 is on the minus strand). VCF-style: chr17-65537690-G-C. GRCh37 (hg19) VCF-style: chr17-63533808-G-C.
Other names: c.1346C>G (NM_004655.3); c.1346C>G, p.Thr449Ser (NM_001363813.1); short protein forms T449S.
Identifiers: ClinVar variation 1018663 (VCV001018663.12), dbSNP rs1247527031, ClinGen allele CA400677679.
Genomic context (GRCh38, chr17:65,537,690, plus strand): 5'-TGGTCCGGGGAGCGGGAGCGGGGGCTATAGCGGCCTACGCCTGGAGACTGGCAGCCAGGG[G>C]TCTTGAGGACCCTGGACAGGTGATCGTCCAGTATCGTCTGCGGGTCTTCCTCGTAGCTGC-3'
Protein context (NP_004646.3, residues 439-459): LDDHLSRVLK[Thr449Ser]PGCQSPGVGR

ClinVar aggregate classification (germline): Uncertain significance. Review status: criteria provided, multiple submitters, no conflicts (2 of 4 stars). 4 submissions from 4 submitters: Uncertain significance (4). Last evaluated 2025-12-29.

Conditions:
Hereditary cancer-predisposing syndrome. Also called: Hereditary Cancer Syndrome; Neoplastic Syndromes, Hereditary; Tumor predisposition; Hereditary neoplastic syndrome. Identifiers: Orphanet 140162, MedGen C0027672, MeSH D009386, MONDO:0015356.
Oligodontia-cancer predisposition syndrome. Also called: TOOTH AGENESIS-COLORECTAL CANCER SYNDROME. Identifiers: Orphanet 300576, MedGen C1837750, MONDO:0012075, OMIM 608615. Disease mechanism: loss of function.

Allele frequency attached by ClinVar (database versions not stated): TOPMed below 0.00001; gnomAD exomes 0.00001.
gnomAD v4.1: 4 of 1,557,422 alleles (0.00026%); highest among the groups gnomAD compares: Non-Finnish European, 0.00035%; no homozygotes.

Submissions (4):

Center for Genomic Medicine, Rigshospitalet, Copenhagen University Hospital
Classification: Uncertain significance. Last evaluated: 2025-12-29. Review status: criteria provided, single submitter. Criteria: ACMG Guidelines, 2015. Collection method: clinical testing. Allele origin: germline.

Ambry Genetics
Classification: Uncertain significance for Hereditary cancer-predisposing syndrome. Last evaluated: 2025-12-22. Review status: criteria provided, single submitter. Criteria: Ambry Variant Classification Scheme 2023. Collection method: clinical testing. Allele origin: germline.
Comment: The p.T449S variant (also known as c.1346C>G), located in coding exon 5 of the AXIN2 gene, results from a C to G substitution at nucleotide position 1346. The threonine at codon 449 is replaced by serine, an amino acid with similar properties. This amino acid position is highly conserved in available vertebrate species. In addition, the in silico prediction for this alteration is inconclusive. Since supporting evidence is limited at this time, the clinical significance of this alteration remains unclear.

GeneDx
Classification: Uncertain significance. Last evaluated: 2025-06-30. Review status: criteria provided, single submitter. Criteria: GeneDx Variant Classification Process June 2021. Collection method: clinical testing. Allele origin: germline. Affected: yes.
Comment: Not observed at significant frequency in large population cohorts (gnomAD); In silico analysis supports that this missense variant has a deleterious effect on protein structure/function; Has not been previously published as pathogenic or benign to our knowledge; This variant is associated with the following publications: (PMID: 15735151)

Labcorp Genetics (formerly Invitae), Labcorp
Classification: Uncertain significance for Oligodontia-cancer predisposition syndrome. Last evaluated: 2023-06-24. Review status: criteria provided, single submitter. Criteria: Invitae Variant Classification Sherloc (09022015). Collection method: clinical testing. Allele origin: germline.
Comment: This variant has not been reported in the literature in individuals affected with AXIN2-related conditions. In summary, the available evidence is currently insufficient to determine the role of this variant in disease. Therefore, it has been classified as a Variant of Uncertain Significance. Advanced modeling of protein sequence and biophysical properties (such as structural, functional, and spatial information, amino acid conservation, physicochemical variation, residue mobility, and thermodynamic stability) performed at Invitae indicates that this missense variant is not expected to disrupt AXIN2 protein function. ClinVar contains an entry for this variant (Variation ID: 1018663). This variant is present in population databases (no rsID available, gnomAD 0.002%). This sequence change replaces threonine, which is neutral and polar, with serine, which is neutral and polar, at codon 449 of the AXIN2 protein (p.Thr449Ser).